The following is an entry in ClinVar:

ClinVar aggregate classification (germline): Uncertain significance. Review status: criteria provided, multiple submitters, no conflicts (2 of 4 stars). 3 submissions from 3 submitters: Uncertain significance (3). Last evaluated 2025-08-27.

Conditions:
Inborn genetic diseases. Identifiers: MedGen C0950123, MeSH D030342.
TANC2-related disorder. Also called: TANC2-related condition.
Intellectual developmental disorder with autistic features and language delay, with or without seizures. Identifiers: MedGen C5394447, MONDO:0030051, OMIM 618906.

Allele frequency attached by ClinVar (database versions not stated): gnomAD exomes below 0.00001; gnomAD 0.00001; TOPMed 0.00003.
gnomAD v4.1: 6 of 1,608,492 alleles (0.00037%); highest among the groups gnomAD compares: Admixed American, 0.0017%; no homozygotes.

Submissions (3):

Ambry Genetics
Classification: Uncertain significance for Inborn genetic diseases. Last evaluated: 2025-08-27. Review status: criteria provided, single submitter. Criteria: Ambry Variant Classification Scheme 2023. Collection method: clinical testing. Allele origin: germline.

PreventionGenetics, part of Exact Sciences
Classification: Uncertain significance for TANC2-related condition. Last evaluated: 2023-05-23. Review status: criteria provided, single submitter. Criteria: ACMG Guidelines, 2015. Collection method: clinical testing. Allele origin: germline.
Comment: The TANC2 c.1622T>C variant is predicted to result in the amino acid substitution p.Ile541Thr. To our knowledge, this variant has not been reported in the literature or in a large population database, indicating this variant is rare. At this time, the clinical significance of this variant is uncertain due to the absence of conclusive functional and genetic evidence.

New York Genome Center
Classification: Uncertain significance for Intellectual developmental disorder with autistic features and language delay, with or without seizures. Last evaluated: 2021-04-02. Review status: criteria provided, single submitter. Criteria: NYGC Assertion Criteria 2020. Collection method: clinical testing. Allele origin: inherited. Observed: 1 heterozygote. Study: CSER-NYCKidSeq.
Comment: The inherited heterozygous c.1622T>C (p.Ile541Thr) variant identified in the TANC2 gene has not been reported in affected individuals in the literature. The variant has 0.000006571 allele frequencyin the gnomAD(v3) database (1 out of 152,178 heterozygous alleles, no homozygotes)suggesting it is not a common benign variant in the populations represented in that database. In silico tools provide conflicting predictions about potential pathogenicity of this variant [REVEL score = 0.479, CADD score = 24.9]. Based on the available evidence, the inherited heterozygous c.1622T>C (p.Ile541Thr) variant identified in the TANC2 gene is reported as a variant of uncertain significance.

NM_001394998.1(TANC2):c.1844T>C (p.Ile615Thr)

Gene: TANC2 (tetratricopeptide repeat, ankyrin repeat and coiled-coil containing 2; plus strand). Cytogenetic location: 17q23.3.
Variant type: single nucleotide variant.
Coding change: c.1844T>C on transcript NM_001394998.1 (MANE Select); coding-DNA position 1844, T replaced by C.
Protein change: p.Ile615Thr; replaces isoleucine 615 with threonine.
Molecular consequence: missense variant.
Genome position (GRCh38, 1-based): chr17:63,351,286, T>C. VCF-style: chr17-63351286-T-C. GRCh37 (hg19) VCF-style: chr17-61428647-T-C.
Other names: c.1622T>C (NM_025185.3); c.1622T>C, p.Ile541Thr (NM_025185.4); short protein forms I541T, I615T.
Identifiers: ClinVar variation 1342474 (VCV001342474.4), dbSNP rs987148166, ClinGen allele CA292872449.